The following is an entry in ClinVar:

ClinVar aggregate classification (germline): Likely pathogenic (1 of 4 stars; one submission).

Submission:

GeneDx
Classification: Likely pathogenic. Last evaluated: 2018-11-29. Review status: criteria provided, single submitter. Criteria: GeneDx Variant Classification (06012015). Collection method: clinical testing. Allele origin: germline. Affected: yes.
Comment: The Q2499X variant has not been published as a pathogenic variant, nor has it been reported as a benign variant to our knowledge. The variant is not observed in large population cohorts (Lek et al., 2016). It is predicted to cause loss of normal protein function either through protein truncation or nonsense-mediated mRNA decay. We consider this variant to be likely pathogenic.

NM_016239.4(MYO15A):c.7495C>T (p.Gln2499Ter)

Gene: MYO15A (myosin XVA; plus strand). Cytogenetic location: 17p11.2.
Variant type: single nucleotide variant.
Coding change: c.7495C>T on transcript NM_016239.4 (MANE Select); coding-DNA position 7495, C replaced by T.
Protein change: p.Gln2499Ter; replaces glutamine 2499 with a stop codon.
Molecular consequence: nonsense.
Genome position (GRCh38, 1-based): chr17:18,151,131, C>T. VCF-style: chr17-18151131-C-T. GRCh37 (hg19) VCF-style: chr17-18054445-C-T.
Other names: short protein forms Q2499*.
Identifiers: ClinVar variation 620461 (VCV000620461.1), dbSNP rs1567652792, ClinGen allele CA398618729.
Genomic context (GRCh38, chr17:18,151,131, plus strand): 5'-TATCCCAGGCAGCCCACCCTCACGTCCTGTTCTCCACAGAAACCCCCAGCACCAGAGGCA[C>T]AGCCGACGTCTGTAGGCACCGGTCCCCCTGCCAAACCCGTGCTCCTGCGTGCCACTCCAA-3'